The following is an entry in ClinVar:

NM_001298.3(CNGA3):c.215+11A>G

Gene: CNGA3 (cyclic nucleotide gated channel subunit alpha 3; plus strand). Cytogenetic location: 2q11.2.
Variant type: single nucleotide variant.
Coding change: c.215+11A>G on transcript NM_001298.3 (MANE Select); 11 bases into the intron after coding-DNA position 215, A replaced by G.
Molecular consequence: intron variant.
Genome position (GRCh38, 1-based): chr2:98,377,811, A>G. VCF-style: chr2-98377811-A-G. GRCh37 (hg19) VCF-style: chr2-98994274-A-G.
Other names: c.215+11A>G (NM_001079878.2).
Identifiers: ClinVar variation 337653 (VCV000337653.14), dbSNP rs199755395, ClinGen allele CA1793617.

ClinVar aggregate classification (germline): Benign/Likely benign. Review status: criteria provided, multiple submitters, no conflicts (2 of 4 stars). 3 submissions from 3 submitters: Benign (1); Likely benign (2). Last evaluated 2026-01-28.

Conditions:
Achromatopsia 2 (ACHM2). Also called: COLORBLINDNESS, TOTAL; ROD MONOCHROMACY 2; ROD MONOCHROMATISM 2. Identifiers: Orphanet 49382, MedGen C1857618, MONDO:0009003, OMIM 216900.

Allele frequency attached by ClinVar (database versions not stated): gnomAD exomes 0.00044 and 0.00105; ExAC 0.00173; gnomAD 0.00458 and 0.00490; 1000 Genomes Project 0.00499; 1000 Genomes Project 30x 0.00500; TOPMed 0.00530; ESP Exome Variant Server 0.00531.
gnomAD v4.1: 1,364 of 1,606,036 alleles (0.085%); highest among the groups gnomAD compares: African/African-American, 1.6%; 17 homozygotes.

Submissions (3):

Labcorp Genetics (formerly Invitae), Labcorp
Classification: Benign. Last evaluated: 2026-01-28. Review status: criteria provided, single submitter. Criteria: Invitae Variant Classification Sherloc (09022015). Collection method: clinical testing. Allele origin: germline.

Blueprint Genetics
Classification: Likely benign. Last evaluated: 2024-10-02. Review status: criteria provided, single submitter. Criteria: ACMG Guidelines, 2015. Collection method: clinical testing. Allele origin: germline.

Illumina Laboratory Services, Illumina
Classification: Likely benign for Achromatopsia 2. Last evaluated: 2018-01-12. Review status: criteria provided, single submitter. Criteria: ICSL Variant Classification Criteria 13 December 2019. Collection method: clinical testing. Allele origin: germline.
Comment: This variant was observed in the ICSL laboratory as part of a predisposition screen in an ostensibly healthy population. It had not been previously curated by ICSL or reported in the Human Gene Mutation Database (HGMD: prior to June 1st, 2018), and was therefore a candidate for classification through an automated scoring system. Utilizing variant allele frequency, disease prevalence and penetrance estimates, and inheritance mode, an automated score was calculated to assess if this variant is too frequent to cause the disease. Based on the score and internal cut-off values, a variant classified as likely benign is not then subjected to further curation. The score for this variant resulted in a classification of likely benign for this disease.